The following is an entry in ClinVar:

ClinVar aggregate classification (germline): Benign/Likely benign. Review status: criteria provided, multiple submitters, no conflicts (2 of 4 stars). 4 submissions from 4 submitters: Benign (1); Likely benign (3). Last evaluated 2026-01-22.

Conditions:
Progressive external ophthalmoplegia with mitochondrial DNA deletions, autosomal dominant 2. Also called: PROGRESSIVE EXTERNAL OPHTHALMOPLEGIA, AUTOSOMAL DOMINANT 2. Identifiers: MedGen C1836460, MONDO:0012238, OMIM 609283.

Allele frequency attached by ClinVar (database versions not stated): gnomAD exomes 0.00008 and 0.00021; TOPMed 0.00010; ExAC 0.00011; gnomAD 0.00011; ESP Exome Variant Server 0.00015.
gnomAD v4.1: 152 of 1,614,068 alleles (0.0094%); highest among the groups gnomAD compares: Middle Eastern, 0.033%; no homozygotes.

Submissions (4):

Labcorp Genetics (formerly Invitae), Labcorp
Classification: Likely benign. Last evaluated: 2026-01-22. Review status: criteria provided, single submitter. Criteria: Invitae Variant Classification Sherloc (09022015). Collection method: clinical testing. Allele origin: germline.

Women's Health and Genetics/Laboratory Corporation of America, LabCorp
Classification: Likely benign. Last evaluated: 2025-10-21. Review status: criteria provided, single submitter. Criteria: LabCorp Variant Classification Summary - May 2015. Collection method: clinical testing. Allele origin: germline.

Illumina Laboratory Services, Illumina
Classification: Benign for Progressive external ophthalmoplegia with mitochondrial DNA deletions, autosomal dominant 2. Last evaluated: 2018-01-13. Review status: criteria provided, single submitter. Criteria: ICSL Variant Classification Criteria 13 December 2019. Collection method: clinical testing. Allele origin: germline.
Comment: This variant was observed in the ICSL laboratory as part of a predisposition screen in an ostensibly healthy population. It had not been previously curated by ICSL or reported in the Human Gene Mutation Database (HGMD: prior to June 1st, 2018), and was therefore a candidate for classification through an automated scoring system. Utilizing variant allele frequency, disease prevalence and penetrance estimates, and inheritance mode, an automated score was calculated to assess if this variant is too frequent to cause the disease. Based on the score and internal cut-off values, a variant classified as benign is not then subjected to further curation. The score for this variant resulted in a classification of benign for this disease.

GeneDx
Classification: Likely benign. Last evaluated: 2017-12-27. Review status: criteria provided, single submitter. Criteria: GeneDx Variant Classification (06012015). Collection method: clinical testing. Allele origin: germline. Affected: yes.
Comment: This variant is considered likely benign or benign based on one or more of the following criteria: it is a conservative change, it occurs at a poorly conserved position in the protein, it is predicted to be benign by multiple in silico algorithms, and/or has population frequency not consistent with disease.

NM_001151.4(SLC25A4):c.756G>A (p.Thr252=)

Gene: SLC25A4 (solute carrier family 25 member 4; plus strand). Cytogenetic location: 4q35.1.
Variant type: single nucleotide variant.
Coding change: c.756G>A on transcript NM_001151.4 (MANE Select); coding-DNA position 756, G replaced by A.
Protein change: p.Thr252=; no amino-acid change (threonine 252 retained).
Molecular consequence: synonymous variant.
Genome position (GRCh38, 1-based): chr4:185,146,830, G>A. VCF-style: chr4-185146830-G-A. GRCh37 (hg19) VCF-style: chr4-186067984-G-A.
Identifiers: ClinVar variation 348247 (VCV000348247.14), dbSNP rs150786764, ClinGen allele CA3156587.
Genomic context (GRCh38, chr4:185,146,830, plus strand): 5'-TTCCTCCAGCGTTACGGAGCCCTCACCAGCATTTGTTTCCACAGCCGATATTATGTACAC[G>A]GGGACAGTTGACTGCTGGAGGAAGATTGCAAAAGACGAAGGAGCCAAGGCCTTCTTCAAA-3'
Protein context (NP_001142.2, residues 242-262): SGRKGADIMY[Thr252=]GTVDCWRKIA